The following is an entry in ClinVar:

NM_004168.4(SDHA):c.1064+10A>G

Gene: SDHA (succinate dehydrogenase complex flavoprotein subunit A; plus strand). Cytogenetic location: 5p15.33.
Variant type: single nucleotide variant.
Coding change: c.1064+10A>G on transcript NM_004168.4 (MANE Select); 10 bases into the intron after coding-DNA position 1064, A replaced by G.
Molecular consequence: intron variant.
Genome position (GRCh38, 1-based): chr5:233,655, A>G. VCF-style: chr5-233655-A-G. GRCh37 (hg19) VCF-style: chr5-233770-A-G.
Other names: c.1064+10A>G (NM_001330758.2); c.920+10A>G (NM_001294332.2).
Identifiers: ClinVar variation 417265 (VCV000417265.20), dbSNP rs773168516, ClinGen allele CA3173080.

ClinVar aggregate classification (germline): Likely benign. Review status: criteria provided, multiple submitters, no conflicts (2 of 4 stars). 4 submissions from 4 submitters: Likely benign (4). Last evaluated 2026-01-31.

Conditions:
SDHA-related disorder. Also called: SDHA-related condition; SDHA-related disorders.
Pheochromocytoma/paraganglioma syndrome 5. Also called: SDHA-Related Hereditary Paraganglioma-Pheochromocytoma Syndrome; Paragangliomas 5. Identifiers: Orphanet 29072, MedGen C3279992, MONDO:0013602, OMIM 614165.
Mitochondrial complex II deficiency, nuclear type 1. Also called: SUCCINATE CoQ REDUCTASE DEFICIENCY. Identifiers: Orphanet 3208, MedGen C5700310, MONDO:0100294, OMIM 252011.

Allele frequency attached by ClinVar (database versions not stated): ExAC 0.00002; gnomAD exomes 0.00002; gnomAD 0.00012 and 0.00014; TOPMed 0.00012.
gnomAD v4.1: 41 of 1,613,540 alleles (0.0025%); highest among the groups gnomAD compares: African/African-American, 0.049%; no homozygotes.

Submissions (4):

Labcorp Genetics (formerly Invitae), Labcorp
Classification: Likely benign for Pheochromocytoma/paraganglioma syndrome 5; Mitochondrial complex II deficiency, nuclear type 1. Last evaluated: 2026-01-31. Review status: criteria provided, single submitter. Criteria: Invitae Variant Classification Sherloc (09022015). Collection method: clinical testing. Allele origin: germline.

PreventionGenetics, part of Exact Sciences
Classification: Likely benign for SDHA-related condition. Last evaluated: 2025-04-23. Review status: criteria provided, single submitter. Criteria: ACMG Guidelines, 2015. Collection method: clinical testing. Allele origin: germline.
Comment: This variant is classified as likely benign based on ACMG/AMP sequence variant interpretation guidelines (Richards et al. 2015 PMID: 25741868, with internal and published modifications).

Myriad Genetics, Inc.
Classification: Likely benign for Pheochromocytoma/paraganglioma syndrome 5. Last evaluated: 2025-03-07. Review status: criteria provided, single submitter. Criteria: Myriad Autosomal Dominant, Autosomal Recessive and X-Linked Classification Criteria (2023). Collection method: clinical testing. Allele origin: unknown.
Comment: This variant is considered likely benign. This variant is intronic and is not expected to impact mRNA splicing.

Quest Diagnostics Nichols Institute San Juan Capistrano
Classification: Likely benign. Last evaluated: 2025-01-03. Review status: criteria provided, single submitter. Criteria: Quest Diagnostics criteria. Collection method: clinical testing. Allele origin: unknown.